The following is an entry in ClinVar:

NM_000432.4(MYL2):c.193G>A (p.Glu65Lys)

Gene: MYL2 (myosin light chain 2; minus strand). Cytogenetic location: 12q24.11.
Variant type: single nucleotide variant.
Coding change: c.193G>A on transcript NM_000432.4 (MANE Select); coding-DNA position 193, G replaced by A.
Protein change: p.Glu65Lys; replaces glutamic acid 65 with lysine.
Molecular consequence: missense variant.
Genome position (GRCh38, 1-based): chr12:110,914,267, C>T on the plus strand (G>A on the coding strand, the complement: MYL2 is on the minus strand). VCF-style: chr12-110914267-C-T. GRCh37 (hg19) VCF-style: chr12-111352071-C-T.
Other names: short protein forms E65K.
Identifiers: ClinVar variation 43459 (VCV000043459.18), dbSNP rs397516398, ClinGen allele CA009936.
Genomic context (GRCh38, chr12:110,914,267, plus strand): 5'-TTGTGAGGAACACAGTAAAGTTAATTGGACCCGGAGCCTCCTTGATCATTTCATCAATTT[C>T]TTCATTTTTCACGTTCACTCGCCCTAGGGTAGGAAACACACACTCAGGGACTCCGAGCTG-3'
Protein context (NP_000423.2, residues 55-75): ALGRVNVKNE[Glu65Lys]IDEMIKEAPG

ClinVar aggregate classification (germline): Conflicting classifications of pathogenicity. Review status: criteria provided, conflicting classifications (1 of 4 stars). 6 submissions from 6 submitters: Likely pathogenic (2); Uncertain significance (4). Last evaluated 2026-09-30.

Conditions:
Hypertrophic cardiomyopathy 10. Also called: CARDIOMYOPATHY, HYPERTROPHIC, MID-LEFT VENTRICULAR CHAMBER TYPE, 2; MYL2-Related Familial Hypertrophic Cardiomyopathy. Identifiers: MedGen C1834460, MONDO:0012112, OMIM 608758.
Hypertrophic cardiomyopathy. Also called: HYPERTROPHIC MYOCARDIOPATHY. Identifiers: Orphanet 217569, MedGen C0007194, MeSH D002312, MONDO:0005045, HP:0001639.

Submissions (6):

MVZ Martinsried, Medicover Genetics
Classification: Likely pathogenic for Hypertrophic cardiomyopathy 10. Last evaluated: 2026-09-30. Review status: criteria provided, single submitter. Criteria: ClinGen Variant Curation SOP V3.2 + Classification Guidance July2025. Collection method: clinical testing. Allele origin: unknown. Affected: yes. Observed: 1 heterozygote.

Laboratory for Molecular Medicine, Mass General Brigham Personalized Medicine
Classification: Uncertain significance. Last evaluated: 2023-02-16. Review status: criteria provided, single submitter. Criteria: ACMG Guidelines, 2015. Collection method: clinical testing. Allele origin: germline.
Comment: The p.Glu65Lys variant in MYL2 has been identified in 1 individual with hypertrophic cardiomyopathy (HCM) who also had a likely pathogenic variant in a gene associated with DCM (Ho 2013 PMID: 23549607, Alfares 2015 PMID: 25611685, Walsh 2017 PMID:27532257, LMM data, Invitae pers. comm.). This variant has also been reported by other clinical laboratories in ClinVar (Variation ID 43459) and was absent from large population studies. Computational prediction tools and conservation analyses suggest that this variant may impact the protein, though this information is not predictive enough to determine pathogenicity. In summary, while there is some suspicion for a pathogenic role, the clinical significance of this variant is uncertain. ACMG/AMP Criteria applied: PM2_Supporting, PM6, PP3.

Labcorp Genetics (formerly Invitae), Labcorp
Classification: Uncertain significance for Hypertrophic cardiomyopathy 10. Last evaluated: 2022-07-21. Review status: criteria provided, single submitter. Criteria: Invitae Variant Classification Sherloc (09022015). Collection method: clinical testing. Allele origin: germline.
Comment: This variant is not present in population databases (gnomAD no frequency). In summary, the available evidence is currently insufficient to determine the role of this variant in disease. Therefore, it has been classified as a Variant of Uncertain Significance. Algorithms developed to predict the effect of missense changes on protein structure and function are either unavailable or do not agree on the potential impact of this missense change (SIFT: "Deleterious"; PolyPhen-2: "Possibly Damaging"; Align-GVGD: "Class C15"). ClinVar contains an entry for this variant (Variation ID: 43459). This missense change has been observed in individual(s) with clinical features of hypertrophic cardiomyopathy (PMID: 23549607, 25611685, 27532257). This sequence change replaces glutamic acid, which is acidic and polar, with lysine, which is basic and polar, at codon 65 of the MYL2 protein (p.Glu65Lys).

GeneDx
Classification: Uncertain significance. Last evaluated: 2020-10-01. Review status: criteria provided, single submitter. Criteria: GeneDx Variant Classification Process June 2021. Collection method: clinical testing. Allele origin: germline. Affected: yes.
Comment: Reported in association with cardiomyopathy (Ho et al., 2013; Alfares et al., 2015); Not observed in large population cohorts (Lek et al., 2016); In silico analysis supports that this missense variant has a deleterious effect on protein structure/function; This variant is associated with the following publications: (PMID: 23549607, 27532257, 25611685)

Centre for Mendelian Genomics, University Medical Centre Ljubljana
Classification: Likely pathogenic for Hypertrophic cardiomyopathy. Last evaluated: 2017-01-01. Review status: criteria provided, single submitter. Criteria: ACMG Guidelines, 2015. Collection method: clinical testing. Allele origin: unknown. Affected: yes.

Juno Genomics, Hangzhou Juno Genomics, Inc
Classification: Uncertain significance for Hypertrophic cardiomyopathy 10. Review status: criteria provided, single submitter. Criteria: ACMG Guidelines, 2015. Collection method: clinical testing. Allele origin: germline. Affected: yes.
Comment: Absent from controls (or at extremely low frequency if recessive) in Genome Aggregation Database, Exome Sequencing Project, 1000 Genomes Project, or Exome Aggregation Consortium.;Multiple lines of computational evidence support a deleterious effect on the gene or gene product (conservation, evolutionary, splicing impact, etc).;The prevalence of the variant in affected individuals is significantly increased compared to the prevalence in controls.

Literature cited by the submitters: PubMed 23549607 (cited by Labcorp Genetics (formerly Invitae), Labcorp); PubMed 25611685 (cited by Labcorp Genetics (formerly Invitae), Labcorp); PubMed 27532257 (cited by Labcorp Genetics (formerly Invitae), Labcorp).